The following is an entry in ClinVar:

ClinVar aggregate classification (germline): Conflicting classifications of pathogenicity. Review status: criteria provided, conflicting classifications (1 of 4 stars). 2 submissions from 2 submitters: Uncertain significance (1); Likely benign (1). Last evaluated 2024-05-01.

Allele frequency attached by ClinVar (database versions not stated): gnomAD exomes below 0.00001; TOPMed below 0.00001.
gnomAD v4.1: 3 of 1,341,178 alleles (0.00022%); highest among the groups gnomAD compares: Non-Finnish European, 0.00019%; no homozygotes.

Submissions (2):

CeGaT Center for Human Genetics Tuebingen
Classification: Uncertain significance. Last evaluated: 2024-05-01. Review status: criteria provided, single submitter. Criteria: CeGaT Center For Human Genetics Tuebingen Variant Classification Criteria Version 2. Collection method: clinical testing. Allele origin: germline. Affected: yes. Observed: 1 variant allele.
Comment: ARID1A: PM2

GeneDx
Classification: Likely benign. Last evaluated: 2021-03-16. Review status: criteria provided, single submitter. Criteria: GeneDx Variant Classification Process June 2021. Collection method: clinical testing. Allele origin: germline. Affected: yes.
Comment: In silico analysis supports that this missense variant does not alter protein structure/function; Has not been previously published as pathogenic or benign to our knowledge

NM_006015.6(ARID1A):c.439G>C (p.Ala147Pro)

Gene: ARID1A (AT-rich interaction domain 1A; plus strand). Cytogenetic location: 1p36.11.
Variant type: single nucleotide variant.
Coding change: c.439G>C on transcript NM_006015.6 (MANE Select); coding-DNA position 439, G replaced by C.
Protein change: p.Ala147Pro; replaces alanine 147 with proline.
Molecular consequence: missense variant.
Genome position (GRCh38, 1-based): chr1:26,696,842, G>C. VCF-style: chr1-26696842-G-C. GRCh37 (hg19) VCF-style: chr1-27023333-G-C.
Other names: c.439G>C, p.Ala147Pro (NM_139135.4); short protein forms A147P.
Identifiers: ClinVar variation 1254016 (VCV001254016.21), dbSNP rs2080267597, ClinGen allele CA339265217.
Genomic context (GRCh38, chr1:26,696,842, plus strand): 5'-GGCAGCAGCGATGGGGTGGGGGCGCCTCCTCACTCAGCCGCGGCCGCCTTGCCGCCCCCA[G>C]CCTACGGCTTCGGGCAACCCTACGGCCGGAGCCCGTCTGCCGTCGCCGCCGCCGCGGCCG-3'
Protein context (NP_006006.3, residues 137-157): HSAAAALPPP[Ala147Pro]YGFGQPYGRS